The following is an entry in ClinVar:

NM_002049.4(GATA1):c.876C>A (p.Asn292Lys)

Genes: GATA1 (GATA binding protein 1; plus strand), LOC119407405 (CRISPRi-FlowFISH-validated PLP2 regulatory element 6; plus strand). Cytogenetic location: Xp11.23.
Variant type: single nucleotide variant.
Coding change: c.876C>A on transcript NM_002049.4 (MANE Select); coding-DNA position 876, C replaced by A.
Protein change: p.Asn292Lys; replaces asparagine 292 with lysine.
Molecular consequence: missense variant.
Genome position (GRCh38, 1-based): chrX:48,793,798, C>A. VCF-style: chrX-48793798-C-A. GRCh37 (hg19) VCF-style: chrX-48652205-C-A.
Other names: short protein forms N292K.
Identifiers: ClinVar variation 3754872 (VCV003754872.2).

ClinVar aggregate classification (germline): Uncertain significance (1 of 4 stars; one submission).

Conditions:
GATA binding protein 1 related thrombocytopenia with dyserythropoiesis. Also called: GATA1-Related X-Linked Cytopenia; GATA1-Related Cytopenia. Identifiers: MedGen C1845837, MONDO:0100089.
Diamond-Blackfan anemia. Also called: Blackfan Diamond syndrome; Aregenerative anemia chronic congenital; Red cell aplasia, pure hereditary; Congenital hypoplastic anemia; Aase syndrome. Identifiers: Orphanet 124, MedGen C1260899, MeSH D029503, MONDO:0015253, HP:0004810.

Submission:

Labcorp Genetics (formerly Invitae), Labcorp
Classification: Uncertain significance for GATA binding protein 1 related thrombocytopenia with dyserythropoiesis; Diamond-Blackfan anemia. Last evaluated: 2024-02-23. Review status: criteria provided, single submitter. Criteria: Invitae Variant Classification Sherloc (09022015). Collection method: clinical testing. Allele origin: germline.
Comment: This sequence change replaces asparagine, which is neutral and polar, with lysine, which is basic and polar, at codon 292 of the GATA1 protein (p.Asn292Lys). This variant is not present in population databases (gnomAD no frequency). This variant has not been reported in the literature in individuals affected with GATA1-related conditions. Advanced modeling of protein sequence and biophysical properties (such as structural, functional, and spatial information, amino acid conservation, physicochemical variation, residue mobility, and thermodynamic stability) has been performed at Invitae for this missense variant, however the output from this modeling did not meet the statistical confidence thresholds required to predict the impact of this variant on GATA1 protein function. In summary, the available evidence is currently insufficient to determine the role of this variant in disease. Therefore, it has been classified as a Variant of Uncertain Significance.